The following is an entry in ClinVar:

NM_207111.4(RNF216):c.149C>G (p.Ala50Gly)

Gene: RNF216 (ring finger protein 216; minus strand). Cytogenetic location: 7p22.1.
Variant type: single nucleotide variant.
Coding change: c.149C>G on transcript NM_207111.4 (MANE Select); coding-DNA position 149, C replaced by G.
Protein change: p.Ala50Gly; replaces alanine 50 with glycine.
Molecular consequence: missense variant.
Genome position (GRCh38, 1-based): chr7:5,752,898, G>C on the plus strand (C>G on the coding strand, the complement: RNF216 is on the minus strand). VCF-style: chr7-5752898-G-C. GRCh37 (hg19) VCF-style: chr7-5792529-G-C.
Other names: p.Ala50Gly; c.149C>G, p.Ala50Gly (NM_207116.3); short protein forms A50G.
Identifiers: ClinVar variation 786897 (VCV000786897.13), dbSNP rs115737075, ClinGen allele CA4148633.

ClinVar aggregate classification (germline): Benign/Likely benign. Review status: criteria provided, multiple submitters, no conflicts (2 of 4 stars). 4 submissions from 4 submitters: Benign (2); Likely benign (1). 1 of the submissions does not count toward it. Last evaluated 2025-12-20.

Conditions:
RNF216-related disorder. Also called: RNF216-related condition.
Cerebellar ataxia-hypogonadism syndrome. Also called: Gordon Holmes syndrome; CEREBELLAR ATAXIA AND HYPOGONADOTROPIC HYPOGONADISM; LHRH DEFICIENCY AND ATAXIA; Luteinizing hormone releasing hormone, deficiency of with ataxia; Cerebellar ataxia hypogonadotropic hypogonadism. Identifiers: Orphanet 1173, MedGen C1859305, MONDO:0008935, OMIM 212840.

Allele frequency attached by ClinVar (database versions not stated): gnomAD exomes 0.00072 and 0.00194; ExAC 0.00254; 1000 Genomes Project 0.00739; gnomAD 0.00809 and 0.00870; 1000 Genomes Project 30x 0.00906; TOPMed 0.00925; ESP Exome Variant Server 0.01061.
gnomAD v4.1: 2,309 of 1,612,384 alleles (0.14%); highest among the groups gnomAD compares: African/African-American, 2.8%; 32 homozygotes.

Submissions (4):

Labcorp Genetics (formerly Invitae), Labcorp
Classification: Benign. Last evaluated: 2025-12-20. Review status: criteria provided, single submitter. Criteria: Invitae Variant Classification Sherloc (09022015). Collection method: clinical testing. Allele origin: germline.

Mayo Clinic Laboratories, Mayo Clinic
Classification: Benign. Last evaluated: 2024-09-23. Review status: criteria provided, single submitter. Criteria: ACMG Guidelines, 2015. Collection method: clinical testing. Allele origin: germline. Observed: 5 variant alleles.
Comment: BA1, BS2, BP4

Fulgent Genetics
Classification: Likely benign for Cerebellar ataxia-hypogonadism syndrome. Last evaluated: 2021-10-18. Review status: criteria provided, single submitter. Criteria: ACMG Guidelines, 2015. Collection method: clinical testing. Allele origin: unknown.

PreventionGenetics, part of Exact Sciences
Classification: Benign for RNF216-related condition. Last evaluated: 2019-04-08. Review status: no assertion criteria provided. Collection method: clinical testing. Allele origin: germline. Not counted in ClinVar's aggregate classification.
Comment: This variant is classified as benign based on ACMG/AMP sequence variant interpretation guidelines (Richards et al. 2015 PMID: 25741868, with internal and published modifications).